The following is an entry in ClinVar:

ClinVar aggregate classification (germline): Uncertain significance (1 of 4 stars; one submission).

Conditions:
Alpha-methylacyl-CoA racemase deficiency (AMACRD). Also called: AMACR deficiency. Identifiers: Orphanet 79095, MedGen C3280428, MONDO:0013681, OMIM 614307. Disease mechanism: loss of function.

Allele frequency attached by ClinVar (database versions not stated): gnomAD 0.00001; gnomAD exomes 0.00001; TOPMed 0.00001.
gnomAD v4.1: 22 of 1,613,920 alleles (0.0014%); highest among the groups gnomAD compares: Non-Finnish European, 0.0018%; no homozygotes.

Submission:

Labcorp Genetics (formerly Invitae), Labcorp
Classification: Uncertain significance for Alpha-methylacyl-CoA racemase deficiency. Last evaluated: 2022-06-13. Review status: criteria provided, single submitter. Criteria: Invitae Variant Classification Sherloc (09022015). Collection method: clinical testing. Allele origin: germline.
Comment: This sequence change falls in intron 2 of the AMACR gene. It does not directly change the encoded amino acid sequence of the AMACR protein. It affects a nucleotide within the consensus splice site. This variant is not present in population databases (gnomAD no frequency). This variant has not been reported in the literature in individuals affected with AMACR-related conditions. Variants that disrupt the consensus splice site are a relatively common cause of aberrant splicing (PMID: 17576681, 9536098). Algorithms developed to predict the effect of sequence changes on RNA splicing suggest that this variant is not likely to affect RNA splicing. In summary, the available evidence is currently insufficient to determine the role of this variant in disease. Therefore, it has been classified as a Variant of Uncertain Significance.

Literature cited by the submitters: PubMed 17576681; PubMed 9536098.

NM_014324.6(AMACR):c.391+4T>A

Genes: C1QTNF3-AMACR (C1QTNF3-AMACR readthrough (NMD candidate); minus strand), AMACR (alpha-methylacyl-CoA racemase; minus strand). Cytogenetic location: 5p13.2.
Variant type: single nucleotide variant.
Coding change: c.391+4T>A on transcript NM_014324.6 (MANE Select); 4 bases into the intron after coding-DNA position 391, T replaced by A.
Molecular consequence: intron variant.
Genome position (GRCh38, 1-based): chr5:34,005,752, A>T on the plus strand (T>A on the coding strand, the complement: AMACR is on the minus strand). VCF-style: chr5-34005752-A-T. GRCh37 (hg19) VCF-style: chr5-34005857-A-T.
Other names: c.391+4T>A (NM_203382.3, NM_001167595.2).
Identifiers: ClinVar variation 2160576 (VCV002160576.1), dbSNP rs1323536866, ClinGen allele CA810019783.